The following is an entry in ClinVar:

NM_001844.5(COL2A1):c.2668C>T (p.Gln890Ter)

Gene: COL2A1 (collagen type II alpha 1 chain; minus strand). Cytogenetic location: 12q13.11.
Variant type: single nucleotide variant.
Coding change: c.2668C>T on transcript NM_001844.5 (MANE Select); coding-DNA position 2668, C replaced by T.
Protein change: p.Gln890Ter; replaces glutamine 890 with a stop codon.
Molecular consequence: nonsense.
Genome position (GRCh38, 1-based): chr12:47,980,020, G>A on the plus strand (C>T on the coding strand, the complement: COL2A1 is on the minus strand). VCF-style: chr12-47980020-G-A. GRCh37 (hg19) VCF-style: chr12-48373803-G-A.
Other names: c.2461C>T, p.Gln821Ter (NM_033150.3); short protein forms Q821*, Q890*.
Identifiers: ClinVar variation 2033750 (VCV002033750.4), dbSNP rs2540119682, ClinGen allele CA384544193.

ClinVar aggregate classification (germline): Pathogenic (1 of 4 stars; one submission).

Submission:

Labcorp Genetics (formerly Invitae), Labcorp
Classification: Pathogenic. Last evaluated: 2022-10-02. Review status: criteria provided, single submitter. Criteria: Invitae Variant Classification Sherloc (09022015). Collection method: clinical testing. Allele origin: germline.
Comment: This variant is not present in population databases (gnomAD no frequency). This sequence change creates a premature translational stop signal (p.Gln890*) in the COL2A1 gene. It is expected to result in an absent or disrupted protein product. Loss-of-function variants in COL2A1 are known to be pathogenic (PMID: 20179744). For these reasons, this variant has been classified as Pathogenic. This variant has not been reported in the literature in individuals affected with COL2A1-related conditions.

Literature cited by the submitters: PubMed 20179744.